The following is an entry in ClinVar:

ClinVar aggregate classification (germline): Likely benign. Review status: criteria provided, multiple submitters, no conflicts (2 of 4 stars). 2 submissions from 2 submitters: Likely benign (2). Last evaluated 2025-12-01.

Conditions:
Nemaline myopathy 2 (NEM2). Also called: Nemaline myopathy 2, autosomal recessive. Identifiers: MedGen C1850569, MONDO:0009725, OMIM 256030.

Allele frequency attached by ClinVar (database versions not stated): gnomAD exomes 0.00002 and 0.00005; TOPMed 0.00002; gnomAD 0.00003 and 0.00005; ExAC 0.00005; 1000 Genomes Project 0.00060; 1000 Genomes Project 30x 0.00062.
gnomAD v4.1: 43 of 1,551,142 alleles (0.0028%); highest among the groups gnomAD compares: East Asian, 0.036%; 1 homozygote.

Submissions (2):

Labcorp Genetics (formerly Invitae), Labcorp
Classification: Likely benign for Nemaline myopathy 2. Last evaluated: 2025-12-01. Review status: criteria provided, single submitter. Criteria: Invitae Variant Classification Sherloc (09022015). Collection method: clinical testing. Allele origin: germline.

GeneDx
Classification: Likely benign. Last evaluated: 2017-07-21. Review status: criteria provided, single submitter. Criteria: GeneDx Variant Classification (06012015). Collection method: clinical testing. Allele origin: germline. Affected: yes.
Comment: This variant is considered likely benign or benign based on one or more of the following criteria: it is a conservative change, it occurs at a poorly conserved position in the protein, it is predicted to be benign by multiple in silico algorithms, and/or has population frequency not consistent with disease.

NM_001164508.2(NEB):c.9619-14A>G

Gene: NEB (nebulin; minus strand). Cytogenetic location: 2q23.3.
Variant type: single nucleotide variant.
Coding change: c.9619-14A>G on transcript NM_001164508.2 (MANE Select); 14 bases into the intron before coding-DNA position 9619, A replaced by G.
Molecular consequence: intron variant.
Genome position (GRCh38, 1-based): chr2:151,630,833, T>C on the plus strand (A>G on the coding strand, the complement: NEB is on the minus strand). VCF-style: chr2-151630833-T-C. GRCh37 (hg19) VCF-style: chr2-152487347-T-C.
Other names: c.8890-14A>G (NM_004543.5); c.9619-14A>G (NM_001164507.2, NM_001271208.2).
Identifiers: ClinVar variation 510959 (VCV000510959.6), dbSNP rs374444328, ClinGen allele CA1909256.